The following is an entry in ClinVar:

NM_000428.3(LTBP2):c.3944G>A (p.Ser1315Asn)

Gene: LTBP2 (latent transforming growth factor beta binding protein 2; minus strand). Cytogenetic location: 14q24.3.
Variant type: single nucleotide variant.
Coding change: c.3944G>A on transcript NM_000428.3 (MANE Select); coding-DNA position 3944, G replaced by A.
Protein change: p.Ser1315Asn; replaces serine 1315 with asparagine.
Molecular consequence: missense variant.
Genome position (GRCh38, 1-based): chr14:74,506,787, C>T on the plus strand (G>A on the coding strand, the complement: LTBP2 is on the minus strand). VCF-style: chr14-74506787-C-T. GRCh37 (hg19) VCF-style: chr14-74973490-C-T.
Other names: short protein forms S1315N.
Identifiers: ClinVar variation 1371383 (VCV001371383.5), dbSNP rs986189142, ClinGen allele CA263581180.

ClinVar aggregate classification (germline): Uncertain significance (1 of 4 stars; one submission).

Allele frequency attached by ClinVar (database versions not stated): gnomAD exomes below 0.00001 and 0.00001; gnomAD 0.00003 and 0.00004; TOPMed 0.00004.
gnomAD v4.1: 12 of 1,613,990 alleles (0.00074%); highest among the groups gnomAD compares: African/African-American, 0.016%; no homozygotes.

Submission:

Labcorp Genetics (formerly Invitae), Labcorp
Classification: Uncertain significance. Last evaluated: 2025-03-19. Review status: criteria provided, single submitter. Criteria: Invitae Variant Classification Sherloc (09022015). Collection method: clinical testing. Allele origin: germline.
Comment: This sequence change replaces serine, which is neutral and polar, with asparagine, which is neutral and polar, at codon 1315 of the LTBP2 protein (p.Ser1315Asn). This variant is present in population databases (no rsID available, gnomAD 0.008%). This variant has not been reported in the literature in individuals affected with LTBP2-related conditions. ClinVar contains an entry for this variant (Variation ID: 1371383). An algorithm developed to predict the effect of missense changes on protein structure and function outputs the following: PolyPhen-2: "Benign". The asparagine amino acid residue is found in multiple mammalian species, which suggests that this missense change does not adversely affect protein function. In summary, the available evidence is currently insufficient to determine the role of this variant in disease. Therefore, it has been classified as a Variant of Uncertain Significance.